The following is an entry in ClinVar:

NM_080680.3(COL11A2):c.1333C>G (p.Pro445Ala)

Gene: COL11A2 (collagen type XI alpha 2 chain; minus strand). Cytogenetic location: 6p21.32.
Variant type: single nucleotide variant.
Coding change: c.1333C>G on transcript NM_080680.3 (MANE Select); coding-DNA position 1333, C replaced by G.
Protein change: p.Pro445Ala; replaces proline 445 with alanine.
Molecular consequence: missense variant.
Genome position (GRCh38, 1-based): chr6:33,180,284, G>C on the plus strand (C>G on the coding strand, the complement: COL11A2 is on the minus strand). VCF-style: chr6-33180284-G-C. GRCh37 (hg19) VCF-style: chr6-33148061-G-C.
Other names: c.1012C>G, p.Pro338Ala (NM_080679.3); c.1075C>G, p.Pro359Ala (NM_080681.3); c.1333C>G (NM_080680.2); short protein forms P338A, P359A, P445A.
Identifiers: ClinVar variation 1488922 (VCV001488922.5), dbSNP rs1261759387, ClinGen allele CA363606168.
Genomic context (GRCh38, chr6:33,180,284, plus strand): 5'-ATCAGCATGTTCCAAAACCCAAGAGACAACTCACTGGGAGCATGAGAGATGTGCCAGGAG[G>C]ACCAGGAGCCCCATCTGATCCAGGGAGCCCTGCTCGGCCAGGGGGGCCCTGGAGTGGGAA-3'
Protein context (NP_542411.2, residues 435-455): GLPGSDGAPG[Pro445Ala]PGTSLMLPFR

ClinVar aggregate classification (germline): Uncertain significance. Review status: criteria provided, multiple submitters, no conflicts (2 of 4 stars). 3 submissions from 3 submitters: Uncertain significance (3). Last evaluated 2025-04-30.

Conditions:
Inborn genetic diseases. Identifiers: MedGen C0950123, MeSH D030342.

gnomAD v4.1: 3 of 1,612,888 alleles (0.00019%); highest among the groups gnomAD compares: South Asian, 0.0011%; no homozygotes.

Submissions (3):

Ambry Genetics
Classification: Uncertain significance for Inborn genetic diseases. Last evaluated: 2025-04-30. Review status: criteria provided, single submitter. Criteria: Ambry Variant Classification Scheme 2023. Collection method: clinical testing. Allele origin: germline.

Labcorp Genetics (formerly Invitae), Labcorp
Classification: Uncertain significance. Last evaluated: 2022-07-19. Review status: criteria provided, single submitter. Criteria: Invitae Variant Classification Sherloc (09022015). Collection method: clinical testing. Allele origin: germline.
Comment: This sequence change replaces proline, which is neutral and non-polar, with alanine, which is neutral and non-polar, at codon 445 of the COL11A2 protein (p.Pro445Ala). This variant is not present in population databases (gnomAD no frequency). This variant has not been reported in the literature in individuals affected with COL11A2-related conditions. ClinVar contains an entry for this variant (Variation ID: 1488922). Advanced modeling of protein sequence and biophysical properties (such as structural, functional, and spatial information, amino acid conservation, physicochemical variation, residue mobility, and thermodynamic stability) performed at Invitae indicates that this missense variant is not expected to disrupt COL11A2 protein function. In summary, the available evidence is currently insufficient to determine the role of this variant in disease. Therefore, it has been classified as a Variant of Uncertain Significance.

Blueprint Genetics
Classification: Uncertain significance. Last evaluated: 2021-12-30. Review status: criteria provided, single submitter. Criteria: ACMG Guidelines, 2015. Collection method: clinical testing. Allele origin: germline.